The following is an entry in ClinVar:

NM_004104.5(FASN):c.3345G>C (p.Glu1115Asp)

Gene: FASN (fatty acid synthase; minus strand). Cytogenetic location: 17q25.3.
Variant type: single nucleotide variant.
Coding change: c.3345G>C on transcript NM_004104.5 (MANE Select); coding-DNA position 3345, G replaced by C.
Protein change: p.Glu1115Asp; replaces glutamic acid 1115 with aspartic acid.
Molecular consequence: missense variant.
Genome position (GRCh38, 1-based): chr17:82,087,132, C>G on the plus strand (G>C on the coding strand, the complement: FASN is on the minus strand). VCF-style: chr17-82087132-C-G. GRCh37 (hg19) VCF-style: chr17-80045008-C-G.
Other names: short protein forms E1115D.
Identifiers: ClinVar variation 531032 (VCV000531032.8), dbSNP rs1481274971, ClinGen allele CA401553126.

ClinVar aggregate classification (germline): Uncertain significance (1 of 4 stars; one submission).

Conditions:
Epileptic encephalopathy. Identifiers: MedGen C0543888, HP:0200134.

Submission:

Labcorp Genetics (formerly Invitae), Labcorp
Classification: Uncertain significance for Epileptic encephalopathy. Last evaluated: 2017-10-28. Review status: criteria provided, single submitter. Criteria: Invitae Variant Classification Sherloc (09022015). Collection method: clinical testing. Allele origin: germline.
Comment: This sequence change replaces glutamic acid with aspartic acid at codon 1115 of the FASN protein (p.Glu1115Asp). The glutamic acid residue is highly conserved and there is a small physicochemical difference between glutamic acid and aspartic acid. This variant is not present in population databases (ExAC no frequency). This variant has not been reported in the literature in individuals with FASN-related disease. Algorithms developed to predict the effect of missense changes on protein structure and function do not agree on the potential impact of this missense change (SIFT: "Deleterious"; PolyPhen-2: "Probably Damaging"; Align-GVGD: "Class C0"). In summary, the available evidence is currently insufficient to determine the role of this variant in disease. Therefore, it has been classified as a Variant of Uncertain Significance.